The following is an entry in ClinVar:

NM_032608.7(MYO18B):c.5251C>G (p.Gln1751Glu)

Gene: MYO18B (myosin XVIIIB; plus strand). Cytogenetic location: 22q12.1.
Variant type: single nucleotide variant.
Coding change: c.5251C>G on transcript NM_032608.7 (MANE Select); coding-DNA position 5251, C replaced by G.
Protein change: p.Gln1751Glu; replaces glutamine 1751 with glutamic acid.
Molecular consequence: missense variant.
Genome position (GRCh38, 1-based): chr22:25,908,424, C>G. VCF-style: chr22-25908424-C-G. GRCh37 (hg19) VCF-style: chr22-26304391-C-G.
Other names: c.5254C>G, p.Gln1752Glu (NM_001318245.2); short protein forms Q1751E, Q1752E.
Identifiers: ClinVar variation 2009816 (VCV002009816.4), dbSNP rs780537253, ClinGen allele CA10161110.

ClinVar aggregate classification (germline): Uncertain significance (1 of 4 stars; one submission).

Allele frequency attached by ClinVar (database versions not stated): gnomAD exomes below 0.00001; ExAC 0.00002.
gnomAD v4.1: 1 of 1,587,080 alleles (0.000063%); highest among the groups gnomAD compares: South Asian, 0.0012%; no homozygotes.

Submission:

Labcorp Genetics (formerly Invitae), Labcorp
Classification: Uncertain significance. Last evaluated: 2022-10-18. Review status: criteria provided, single submitter. Criteria: Invitae Variant Classification Sherloc (09022015). Collection method: clinical testing. Allele origin: germline.
Comment: This sequence change replaces glutamine, which is neutral and polar, with glutamic acid, which is acidic and polar, at codon 1751 of the MYO18B protein (p.Gln1751Glu). This variant is present in population databases (rs780537253, gnomAD 0.004%). This variant has not been reported in the literature in individuals affected with MYO18B-related conditions. Algorithms developed to predict the effect of missense changes on protein structure and function are either unavailable or do not agree on the potential impact of this missense change (SIFT: "Not Available"; PolyPhen-2: "Probably Damaging"; Align-GVGD: "Not Available"). In summary, the available evidence is currently insufficient to determine the role of this variant in disease. Therefore, it has been classified as a Variant of Uncertain Significance.